The following is an entry in ClinVar:

NM_000169.3(GLA):c.144G>C (p.Glu48Asp)

Genes: GLA (galactosidase alpha; minus strand), RPL36A-HNRNPH2 (RPL36A-HNRNPH2 readthrough; plus strand). Cytogenetic location: Xq22.1.
Variant type: single nucleotide variant.
Coding change: c.144G>C on transcript NM_000169.3 (MANE Select); coding-DNA position 144, G replaced by C.
Protein change: p.Glu48Asp; replaces glutamic acid 48 with aspartic acid.
Molecular consequence: missense variant. On other transcripts: non-coding transcript variant (3), intron variant (2).
Genome position (GRCh38, 1-based): chrX:101,407,760, C>G on the plus strand (G>C on the coding strand, the complement: GLA is on the minus strand). VCF-style: chrX-101407760-C-G. GRCh37 (hg19) VCF-style: chrX-100662748-C-G.
Other names: c.144G>C, p.Glu48Asp (NM_001406747.1, NM_001406748.1, NM_001406749.1); c.301-4176C>G (NM_001199973.2); c.178-4176C>G (NM_001199974.2); short protein forms E48D.
Identifiers: ClinVar variation 4087681 (VCV004087681.2), dbSNP rs869312254.

ClinVar aggregate classification (germline): Pathogenic (1 of 4 stars; one submission).

Conditions:
Fabry disease. Also called: ALPHA-GALACTOSIDASE A DEFICIENCY; ANDERSON-FABRY DISEASE; CERAMIDE TRIHEXOSIDASE DEFICIENCY; GLA DEFICIENCY; HEREDITARY DYSTOPIC LIPIDOSIS; Angiokeratoma corporis diffusum. Identifiers: Orphanet 324, MedGen C0002986, MONDO:0010526, OMIM 301500, HP:0001071. Disease mechanism: Fabry disease is due to inactivating mutations in the X-linked GLA gene resulting in deficiency of the enzyme Alpha Galactosidase-A., loss of function.

Submission:

Genomenon, Inc
Classification: Pathogenic for Fabry disease. Last evaluated: 2026-09-08. Review status: criteria provided, single submitter. Criteria: Genomenon Sequence Variant Interpretation Standards - Updated. Collection method: curation. Allele origin: germline. Affected: yes.
Comment: GLA p.Glu48Asp (c.144G>C) is a missense variant that changes the amino acid at codon 48 from Glutamic acid to Aspartic acid. This variant has been observed in at least one proband with clinical features consistent with Fabry disease (PMID:26415523). At least one functional study has demonstrated a substantial alteration in protein function relative to the wild-type (PMID:26415523). This variant is located in a mutational hotspot and/or important functional domain. It is absent or not present at a significant frequency in gnomAD. In silico models predict that this variant is possibly or probably damaging. In conclusion, we classify GLA p.Glu48Asp (c.144G>C) as a pathogenic variant.

Literature cited by the submitters: PubMed 26415523.